The following is an entry in ClinVar:

ClinVar aggregate classification (germline): Likely pathogenic (1 of 4 stars; one submission).

Conditions:
Neonatal ichthyosis-sclerosing cholangitis syndrome (ILVASC). Also called: ICHTHYOSIS-SCLEROSING CHOLANGITIS SYNDROME; NISCH SYNDROME. Identifiers: Orphanet 59303, MedGen C1843355, MONDO:0011874, OMIM 607626.

gnomAD v4.1: 1 of 1,613,960 alleles (0.000062%); highest among the groups gnomAD compares: Non-Finnish European, 0.000085%; no homozygotes.

Submission:

Molecular Genetics Department, Kulakov National Medical Research Center for Obstetrics, Gynecology and Perinatology
Classification: Likely pathogenic for Neonatal ichthyosis-sclerosing cholangitis syndrome. Review status: criteria provided, single submitter. Criteria: ACMG Guidelines, 2015. Collection method: clinical testing. Allele origin: germline. Affected: yes.
Comment: A previously undescribed nucleotide variant creates a premature translation stop signal p.Gln7Ter in the CLDN1 gene. Homozygous and compound heterozygous variants are reported in patients with Ichthyosis, leukocyte vacuoles, alopecia, and sclerosing cholangitis, 607626. The variant is present in gnomAD population database at low frequency (1/250460 chromosomes, no homozygotes). In summary, the currently available evidence indicates that the variant is pathogenic, but additional data are needed to prove that conclusively. Therefore, this variant has been classified as likely pathogenic.

NM_021101.5(CLDN1):c.19C>T (p.Gln7Ter)

Genes: CLDN1 (claudin 1; minus strand), CLDN16 (claudin 16; plus strand). Cytogenetic location: 3q28.
Variant type: single nucleotide variant.
Coding change: c.19C>T on transcript NM_021101.5 (MANE Select); coding-DNA position 19, C replaced by T.
Protein change: p.Gln7Ter; replaces glutamine 7 with a stop codon.
Molecular consequence: nonsense. On other transcripts: intron variant (2).
Genome position (GRCh38, 1-based): chr3:190,322,188, G>A on the plus strand (C>T on the coding strand, the complement: CLDN1 is on the minus strand). VCF-style: chr3-190322188-G-A. GRCh37 (hg19) VCF-style: chr3-190039977-G-A.
Other names: c.-279+7129G>A (NM_001378492.1); c.-279+31597G>A (NM_001378493.1); short protein forms Q7*.
Identifiers: ClinVar variation 3062251 (VCV003062251.1), dbSNP rs1402621591, ClinGen allele CA355759000.